The following is an entry in ClinVar:

ClinVar aggregate classification (germline): Uncertain significance (1 of 4 stars; one submission).

Allele frequency attached by ClinVar (database versions not stated): gnomAD exomes below 0.00001.
gnomAD v4.1: 1 of 1,551,324 alleles (0.000064%); no homozygotes.

Submission:

Labcorp Genetics (formerly Invitae), Labcorp
Classification: Uncertain significance. Last evaluated: 2023-11-17. Review status: criteria provided, single submitter. Criteria: Invitae Variant Classification Sherloc (09022015). Collection method: clinical testing. Allele origin: germline.
Comment: This sequence change replaces serine, which is neutral and polar, with proline, which is neutral and non-polar, at codon 2698 of the EYS protein (p.Ser2698Pro). This variant is not present in population databases (gnomAD no frequency). This variant has not been reported in the literature in individuals affected with EYS-related conditions. Advanced modeling of protein sequence and biophysical properties (such as structural, functional, and spatial information, amino acid conservation, physicochemical variation, residue mobility, and thermodynamic stability) has been performed at Invitae for this missense variant, however the output from this modeling did not meet the statistical confidence thresholds required to predict the impact of this variant on EYS protein function. In summary, the available evidence is currently insufficient to determine the role of this variant in disease. Therefore, it has been classified as a Variant of Uncertain Significance.

NM_001142800.2(EYS):c.8092T>C (p.Ser2698Pro)

Gene: EYS (EGF-like photoreceptor maintenance factor; minus strand). Cytogenetic location: 6q12.
Variant type: single nucleotide variant.
Coding change: c.8092T>C on transcript NM_001142800.2 (MANE Select); coding-DNA position 8092, T replaced by C.
Protein change: p.Ser2698Pro; replaces serine 2698 with proline.
Molecular consequence: missense variant.
Genome position (GRCh38, 1-based): chr6:63,726,660, A>G on the plus strand (T>C on the coding strand, the complement: EYS is on the minus strand). VCF-style: chr6-63726660-A-G. GRCh37 (hg19) VCF-style: chr6-64436553-A-G.
Other names: c.8155T>C, p.Ser2719Pro (NM_001292009.2); short protein forms S2719P, S2698P.
Identifiers: ClinVar variation 2844091 (VCV002844091.3), dbSNP rs2149631916, ClinGen allele CA364386408.